The following is an entry in ClinVar:

ClinVar aggregate classification (germline): Uncertain significance. Review status: criteria provided, multiple submitters, no conflicts (2 of 4 stars). 2 submissions from 2 submitters: Uncertain significance (2). Last evaluated 2022-04-11.

Conditions:
Inborn genetic diseases. Identifiers: MedGen C0950123, MeSH D030342.

Allele frequency attached by ClinVar (database versions not stated): gnomAD 0.00001; TOPMed 0.00002.

Submissions (2):

GeneDx
Classification: Uncertain significance. Last evaluated: 2022-04-11. Review status: criteria provided, single submitter. Criteria: GeneDx Variant Classification Process June 2021. Collection method: clinical testing. Allele origin: germline. Affected: yes.
Comment: Has not been previously published as pathogenic or benign to our knowledge; In silico analysis supports that this missense variant has a deleterious effect on protein structure/function

Ambry Genetics
Classification: Uncertain significance for Inborn genetic diseases. Last evaluated: 2017-01-20. Review status: criteria provided, single submitter. Criteria: Ambry exome assertion method (8-5-2015). Collection method: clinical testing. Allele origin: germline. Affected: yes. Observed: 1 variant allele.

NM_001372044.2(SHANK3):c.1832G>A (p.Arg611Gln)

Gene: SHANK3 (SH3 and multiple ankyrin repeat domains 3; plus strand). Cytogenetic location: 22q13.33.
Variant type: single nucleotide variant.
Coding change: c.1832G>A on transcript NM_001372044.2 (MANE Select); coding-DNA position 1832, G replaced by A.
Protein change: p.Arg611Gln; replaces arginine 611 with glutamine.
Molecular consequence: missense variant.
Genome position (GRCh38, 1-based): chr22:50,698,798, G>A. VCF-style: chr22-50698798-G-A. GRCh37 (hg19) VCF-style: chr22-51137226-G-A.
Other names: NM_001080420.1:c.1655G>A; c.1607G>A (NM_033517.1); short protein forms R611Q.
Identifiers: ClinVar variation 985314 (VCV000985314.5), dbSNP rs767437118, ClinGen allele CA325554839.
Genomic context (GRCh38, chr22:50,698,798, plus strand): 5'-GCACGGGCTGGTTCCCGGCCGACTGCGTGGAGGAAGTGCAGATGAGGCAGCATGACACAC[G>A]GCCTGGTGAGTGACCCCACGGCTCCCCGGGCAGCTCCCAAGGGGACCACCCCTTCCAGTT-3'
Protein context (NP_001358973.1, residues 601-621): EEVQMRQHDT[Arg611Gln]PETREDRTKR